The following is an entry in ClinVar:

NM_003060.4(SLC22A5):c.371A>G (p.Tyr124Cys)

Gene: SLC22A5 (solute carrier family 22 member 5; plus strand). Cytogenetic location: 5q31.1.
Variant type: single nucleotide variant.
Coding change: c.371A>G on transcript NM_003060.4 (MANE Select); coding-DNA position 371, A replaced by G.
Protein change: p.Tyr124Cys; replaces tyrosine 124 with cysteine.
Molecular consequence: missense variant.
Genome position (GRCh38, 1-based): chr5:132,370,343, A>G. VCF-style: chr5-132370343-A-G. GRCh37 (hg19) VCF-style: chr5-131706035-A-G.
Other names: p.Tyr124Cys; c.371A>G, p.Tyr124Cys (NM_001308122.2); short protein forms Y124C.
Identifiers: ClinVar variation 809800 (VCV000809800.55), dbSNP rs762126547, ClinGen allele CA3403845.

ClinVar aggregate classification (germline): Conflicting classifications of pathogenicity. Review status: criteria provided, conflicting classifications (1 of 4 stars). 6 submissions from 6 submitters: Likely pathogenic (1); Uncertain significance (4). 1 of the submissions does not count toward it. Last evaluated 2024-01-12.

Conditions:
Renal carnitine transport defect (CDSP). Also called: Carnitine transporter deficiency; Carnitine Deficiency, Systemic; Primary carnitine deficiency; Systemic primary carnitine deficiency; CARNITINE DEFICIENCY, SYSTEMIC, DUE TO DEFECT IN RENAL REABSORPTION OF CARNITINE; CARNITINE TRANSPORTER, PLASMA-MEMBRANE, DEFICIENCY OF. Identifiers: Orphanet 158, MedGen C0342788, MONDO:0008919, OMIM 212140.
Decreased circulating carnitine concentration. Also called: Decreased plasma carnitine. Identifiers: MedGen C5848230, HP:0003234.

Allele frequency attached by ClinVar (database versions not stated): gnomAD exomes 0.00001; ExAC 0.00002; 1000 Genomes Project 30x 0.00016.
gnomAD v4.1: 12 of 1,612,244 alleles (0.00074%); highest among the groups gnomAD compares: South Asian, 0.0033%; no homozygotes.

Submissions (6):

Women's Health and Genetics/Laboratory Corporation of America, LabCorp
Classification: Uncertain significance. Last evaluated: 2024-01-12. Review status: criteria provided, single submitter. Criteria: LabCorp Variant Classification Summary - May 2015. Collection method: clinical testing. Allele origin: germline.
Comment: Variant summary: SLC22A5 c.371A>G (p.Tyr124Cys) results in a non-conservative amino acid change located in the Major facilitator superfamily domain (IPR020846) of the encoded protein sequence. Five of five in-silico tools predict a damaging effect of the variant on protein function. The variant allele was found at a frequency of 8.3e-06 in 239790 control chromosomes (gnomAD). The available data on variant occurrences in the general population are insufficient to allow any conclusion about variant significance. c.371A>G has been reported in the literature in at least one compound heterozygous individual affected with Primary Carnitine Deficiency (e.g., Lin_2020). These data do not allow any conclusion about variant significance. At least one publication reports experimental evidence evaluating an impact on protein function, finding that the variant results in an approximately 80% reduction in carnitine transport function relative to the wild-type protein (e.g., Koleske_2022). The following publications have been ascertained in the context of this evaluation (PMID: 36343260, 32371215). ClinVar contains an entry for this variant (Variation ID: 809800). Based on the evidence outlined above, the variant was classified as VUS-possibly pathogenic.

Giacomini Lab, University of California, San Francisco
Classification: Uncertain significance for Renal carnitine transport defect. Last evaluated: 2022-10-03. Review status: criteria provided, single submitter. Criteria: ACMG Guidelines, 2015. Collection method: research, in vitro. Allele origin: germline, not applicable.

Labcorp Genetics (formerly Invitae), Labcorp
Classification: Uncertain significance for Renal carnitine transport defect. Last evaluated: 2022-07-19. Review status: criteria provided, single submitter. Criteria: Invitae Variant Classification Sherloc (09022015). Collection method: clinical testing. Allele origin: germline.
Comment: This sequence change replaces tyrosine, which is neutral and polar, with cysteine, which is neutral and slightly polar, at codon 124 of the SLC22A5 protein (p.Tyr124Cys). The frequency data for this variant in the population databases is considered unreliable, as metrics indicate poor data quality at this position in the gnomAD database. This missense change has been observed in individual(s) with clinical features of primary carnitine deficiency (PMID: 32371215). ClinVar contains an entry for this variant (Variation ID: 809800). Advanced modeling of protein sequence and biophysical properties (such as structural, functional, and spatial information, amino acid conservation, physicochemical variation, residue mobility, and thermodynamic stability) performed at Invitae indicates that this missense variant is expected to disrupt SLC22A5 protein function. In summary, the available evidence is currently insufficient to determine the role of this variant in disease. Therefore, it has been classified as a Variant of Uncertain Significance.

Genome-Nilou Lab
Classification: Uncertain significance for Renal carnitine transport defect. Last evaluated: 2021-07-15. Review status: criteria provided, single submitter. Criteria: ACMG Guidelines, 2015. Collection method: clinical testing. Allele origin: germline. Affected: no.

CeGaT Center for Human Genetics Tuebingen
Classification: Likely pathogenic. Last evaluated: 2019-02-01. Review status: criteria provided, single submitter. Criteria: CeGaT Center For Human Genetics Tuebingen Variant Classification Criteria Version 2. Collection method: clinical testing. Allele origin: germline. Affected: yes. Observed: 1 variant allele.

Natera, Inc.
Classification: Uncertain significance for Carnitine deficiency. Last evaluated: 2020-07-08. Review status: no assertion criteria provided. Collection method: clinical testing. Allele origin: germline. Not counted in ClinVar's aggregate classification.

Literature cited by the submitters: PubMed 32371215 (cited by Women's Health and Genetics/Laboratory Corporation of America, LabCorp and Labcorp Genetics (formerly Invitae), Labcorp); PubMed 36343260 (cited by Women's Health and Genetics/Laboratory Corporation of America, LabCorp).